The following is an entry in ClinVar:

NM_000268.4(NF2):c.1300G>A (p.Glu434Lys)

Gene: NF2 (NF2, moesin-ezrin-radixin like (MERLIN) tumor suppressor; plus strand). Cytogenetic location: 22q12.2.
Variant type: single nucleotide variant.
Coding change: c.1300G>A on transcript NM_000268.4 (MANE Select); coding-DNA position 1300, G replaced by A.
Protein change: p.Glu434Lys; replaces glutamic acid 434 with lysine.
Molecular consequence: missense variant. On other transcripts: non-coding transcript variant (1), intron variant (1).
Genome position (GRCh38, 1-based): chr22:29,673,446, G>A. VCF-style: chr22-29673446-G-A. GRCh37 (hg19) VCF-style: chr22-30069435-G-A.
Other names: c.1300G>A, p.Glu434Lys (NM_016418.5, NM_181825.3, NM_181832.3); c.1174G>A, p.Glu392Lys (NM_181828.3); c.1177G>A, p.Glu393Lys (NM_181829.3); c.1051G>A, p.Glu351Lys (NM_181830.3, NM_181831.3); c.448-21306G>A (NM_181833.3); short protein forms E434K, E351K, E393K, E392K.
Identifiers: ClinVar variation 527700 (VCV000527700.10), dbSNP rs992662337, ClinGen allele CA323116641.

ClinVar aggregate classification (germline): Conflicting classifications of pathogenicity. Review status: criteria provided, conflicting classifications (1 of 4 stars). 3 submissions from 3 submitters: Uncertain significance (1); Likely benign (2). Last evaluated 2025-10-30.

Conditions:
Hereditary cancer-predisposing syndrome. Also called: Tumor predisposition; Hereditary neoplastic syndrome; Neoplastic Syndromes, Hereditary; Hereditary Cancer Syndrome. Identifiers: Orphanet 140162, MedGen C0027672, MeSH D009386, MONDO:0015356.
Neurofibromatosis, type 2 (SWNV). Also called: NF2-Related Schwannomatosis; BILATERAL ACOUSTIC NEUROFIBROMATOSIS; SCHWANNOMATOSIS, VESTIBULAR. Identifiers: Orphanet 637, MedGen C0027832, MONDO:0007039, OMIM 101000. Disease mechanism: loss of function.

Allele frequency attached by ClinVar (database versions not stated): gnomAD 0.00002 and 0.00003; gnomAD exomes 0.00002; TOPMed 0.00002.
gnomAD v4.1: 17 of 1,611,868 alleles (0.0011%); highest among the groups gnomAD compares: African/African-American, 0.008%; no homozygotes.

Submissions (3):

Color Diagnostics, LLC DBA Color Health
Classification: Likely benign for Neurofibromatosis, type 2. Last evaluated: 2025-10-30. Review status: criteria provided, single submitter. Criteria: ACMG Guidelines, 2015. Collection method: clinical testing. Allele origin: germline.

Labcorp Genetics (formerly Invitae), Labcorp
Classification: Likely benign for Neurofibromatosis, type 2. Last evaluated: 2025-08-30. Review status: criteria provided, single submitter. Criteria: Invitae Variant Classification Sherloc (09022015). Collection method: clinical testing. Allele origin: germline.

Ambry Genetics
Classification: Uncertain significance for Hereditary cancer-predisposing syndrome. Last evaluated: 2024-05-30. Review status: criteria provided, single submitter. Criteria: Ambry Variant Classification Scheme 2023. Collection method: clinical testing. Allele origin: germline.
Comment: The p.E434K variant (also known as c.1300G>A), located in coding exon 12 of the NF2 gene, results from a G to A substitution at nucleotide position 1300. The glutamic acid at codon 434 is replaced by lysine, an amino acid with similar properties. This amino acid position is highly conserved in available vertebrate species. In addition, the in silico prediction for this alteration is inconclusive. Since supporting evidence is limited at this time, the clinical significance of this alteration remains unclear.